The following is an entry in ClinVar:

NM_001244008.2(KIF1A):c.2201T>C (p.Leu734Pro)

Gene: KIF1A (kinesin family member 1A; minus strand). Cytogenetic location: 2q37.3.
Variant type: single nucleotide variant.
Coding change: c.2201T>C on transcript NM_001244008.2 (MANE Select); coding-DNA position 2201, T replaced by C.
Protein change: p.Leu734Pro; replaces leucine 734 with proline.
Molecular consequence: missense variant.
Genome position (GRCh38, 1-based): chr2:240,761,293, A>G on the plus strand (T>C on the coding strand, the complement: KIF1A is on the minus strand). VCF-style: chr2-240761293-A-G. GRCh37 (hg19) VCF-style: chr2-241700710-A-G.
Other names: c.2201T>C, p.Leu734Pro (NM_001320705.2, NM_001330289.2, NM_001379638.1); c.2276T>C, p.Leu759Pro (NM_001330290.2, NM_001379631.1, NM_001379634.1 and 2 more transcripts); c.2174T>C, p.Leu725Pro (NM_001379632.1, NM_001379633.1, NM_001379636.1 and 10 more transcripts); c.2249T>C, p.Leu750Pro (NM_001379637.1, NM_001379648.1); short protein forms L725P, L734P, L750P, L759P.
Identifiers: ClinVar variation 4788841 (VCV004788841.1).

ClinVar aggregate classification (germline): Uncertain significance (1 of 4 stars; one submission).

Conditions:
Neuropathy, hereditary sensory, type 2C. Also called: KIF1A-Related HSAN2 (HSAN2C); Hereditary sensory and autonomic neuropathy type IIC. Identifiers: Orphanet 970, MedGen C3280168, MONDO:0013634, OMIM 614213.
Hereditary spastic paraplegia 30. Identifiers: Orphanet 101010, MedGen C5235139, MONDO:0012476.
Intellectual disability, autosomal dominant 9 (NESCAVS). Also called: KIF1A-Related Neurodevelopmental Disorder; NESCAV SYNDROME. Identifiers: Orphanet 662367, MedGen C5393830, MONDO:0013656, OMIM 614255.

gnomAD v4.1: 4 of 1,613,812 alleles (0.00025%); highest among the groups gnomAD compares: Non-Finnish European, 0.00034%; no homozygotes.

Submission:

Labcorp Genetics (formerly Invitae), Labcorp
Classification: Uncertain significance for Hereditary spastic paraplegia 30; Neuropathy, hereditary sensory, type 2C; Intellectual disability, autosomal dominant 9. Last evaluated: 2025-08-13. Review status: criteria provided, single submitter. Criteria: Invitae Variant Classification Sherloc (09022015). Collection method: clinical testing. Allele origin: germline.
Comment: This sequence change replaces leucine, which is neutral and non-polar, with proline, which is neutral and non-polar, at codon 725 of the KIF1A protein (p.Leu725Pro). This variant is not present in population databases (gnomAD no frequency). This variant has not been reported in the literature in individuals affected with KIF1A-related conditions. Invitae Evidence Modeling of protein sequence and biophysical properties (such as structural, functional, and spatial information, amino acid conservation, physicochemical variation, residue mobility, and thermodynamic stability) has been performed for this missense variant. However, the output from this modeling did not meet the statistical confidence thresholds required to predict the impact of this variant on KIF1A protein function. In summary, the available evidence is currently insufficient to determine the role of this variant in disease. Therefore, it has been classified as a Variant of Uncertain Significance.